The following is an entry in ClinVar:

ClinVar aggregate classification (germline): Likely benign (1 of 4 stars; one submission).

Conditions:
Peroxisome biogenesis disorder 7A (Zellweger). Also called: Peroxisome biogenesis disorder 7A. Identifiers: Orphanet 912, MedGen C3888385, MONDO:0013938, OMIM 614872.

Allele frequency attached by ClinVar (database versions not stated): gnomAD 0.00195 and 0.00208; TOPMed 0.00206; 1000 Genomes Project 0.00280; 1000 Genomes Project 30x 0.00281.
gnomAD v4.1: 400 of 557,822 alleles (0.072%); highest among the groups gnomAD compares: African/African-American, 0.68%; 2 homozygotes.

Submission:

Illumina Laboratory Services, Illumina
Classification: Likely benign for Peroxisome biogenesis disorder 7A (Zellweger). Last evaluated: 2018-01-13. Review status: criteria provided, single submitter. Criteria: ICSL Variant Classification Criteria 13 December 2019. Collection method: clinical testing. Allele origin: germline.
Comment: This variant was observed in the ICSL laboratory as part of a predisposition screen in an ostensibly healthy population. It had not been previously curated by ICSL or reported in the Human Gene Mutation Database (HGMD: prior to June 1st, 2018), and was therefore a candidate for classification through an automated scoring system. Utilizing variant allele frequency, disease prevalence and penetrance estimates, and inheritance mode, an automated score was calculated to assess if this variant is too frequent to cause the disease. Based on the score and internal cut-off values, a variant classified as likely benign is not then subjected to further curation. The score for this variant resulted in a classification of likely benign for this disease.

NM_001127649.3(PEX26):c.*279G>A

Gene: PEX26 (peroxisomal biogenesis factor 26; plus strand). Cytogenetic location: 22q11.21.
Variant type: single nucleotide variant.
Coding change: c.*279G>A on transcript NM_001127649.3 (MANE Select); 279 bases downstream of the stop codon, G replaced by A.
Molecular consequence: 3 prime UTR variant.
Genome position (GRCh38, 1-based): chr22:18,088,354, G>A. VCF-style: chr22-18088354-G-A. GRCh37 (hg19) VCF-style: chr22-18571120-G-A.
Other names: c.*279G>A (NM_001199319.2, NM_017929.6).
Identifiers: ClinVar variation 901595 (VCV000901595.4), dbSNP rs147096782, ClinGen allele CA321293908.